The following is an entry in ClinVar:

NM_021954.4(GJA3):c.1197dup (p.Thr400fs)

Gene: GJA3 (gap junction protein alpha 3; minus strand). Cytogenetic location: 13q12.11.
Variant type: Duplication.
Coding change: c.1197dup on transcript NM_021954.4 (MANE Select); coding-DNA position 1197, one base duplicated (C; older notation c.1197dupC).
Protein change: p.Thr400fs; shifts the reading frame from threonine 400.
Molecular consequence: frameshift variant.
Genome position (GRCh38, 1-based): chr13:20,142,092, G duplicated on the plus strand (C on the coding strand, the reverse complement: GJA3 is on the minus strand); the first of 2 consecutive G bases (chr13:20,142,092-20,142,093); duplicating either gives the same sequence. VCF-style (leftmost placement, unchanged base first): chr13-20142091-T-TG. GRCh37 (hg19) VCF-style: chr13-20716230-T-TG.
Other names: short protein forms T400fs.
Identifiers: ClinVar variation 3253702 (VCV003253702.1), dbSNP rs2500167338.
Genomic context (GRCh38, chr13:20,142,091, plus strand): 5'-CCTTGCTGGCCCGACCTGGGTCTCCGAGGGGCAAGGGCGGCTGGTGCATCTGGGCCGCGG[T>TG]GGTCACGGCCTGCTCCTCCTCCTCGGGGGTCCCTGCCAGGGCGCTCCCCTCCAGACTGCT-3'

ClinVar aggregate classification (germline): Likely pathogenic (1 of 4 stars; one submission).

Conditions:
Cataract 14 multiple types. Also called: CATARACT 14, ZONULAR PULVERULENT; CATARACT 14, NUCLEAR PULVERULENT; CATARACT 14, NUCLEAR PULVERULENT AND POSTERIOR POLAR; CATARACT 14, NUCLEAR CORALLIFORM; CATARACT 14, EMBRYONAL NUCLEAR; CATARACT 14, COPPOCK-LIKE. Identifiers: Orphanet 91492, MedGen C1866078, MONDO:0011162, OMIM 601885.

Submission:

Dept. Genetics and Cancer, Menzies Institute for Medical Research, University of Tasmania
Classification: Likely pathogenic for Cataract 14 multiple types. Last evaluated: 2023-01-21. Review status: criteria provided, single submitter. Criteria: ACMG Guidelines, 2015. Collection method: curation. Allele origin: germline. Affected: yes.
Comment: Variant identified and curated during a GJA3 specific review of the literature in relation to pediatric or congenital cataract. ACMG-AMP criteria applied: PVS1(Moderate), PP1(Moderate), PM2(Supporting), PP3. Original variant report: PMID:28546921. The cataract phenotype reported for this variant is: Nuclear. Gene review and curation guidelines are outlined in: DOI 10.1080/17469899.2023.2160320

Literature cited by the submitters: PubMed 28546921.